The following is an entry in ClinVar:

ClinVar aggregate classification (germline): Conflicting classifications of pathogenicity. Review status: criteria provided, conflicting classifications (1 of 4 stars). 2 submissions from 2 submitters: Uncertain significance (1); Likely benign (1). Last evaluated 2025-09-15.

Conditions:
Larsen-like syndrome, B3GAT3 type. Also called: Multiple joint dislocations, short stature, craniofacial dysmorphism, with or without congenital heart defects; MULTIPLE JOINT DISLOCATIONS, SHORT STATURE, AND CRANIOFACIAL DYSMORPHISM WITH OR WITHOUT CONGENITAL HEART DEFECTS. Identifiers: Orphanet 284139, MedGen CN034159, MONDO:0009511, OMIM 245600.

Allele frequency attached by ClinVar (database versions not stated): gnomAD exomes 0.00002 and 0.00004; TOPMed 0.00005; gnomAD 0.00007 and 0.00008; ExAC 0.00008.
gnomAD v4.1: 41 of 1,613,450 alleles (0.0025%); highest among the groups gnomAD compares: Non-Finnish European, 0.0031%; no homozygotes.

Submissions (2):

Mayo Clinic Laboratories, Mayo Clinic
Classification: Likely benign. Last evaluated: 2025-09-15. Review status: criteria provided, single submitter. Criteria: ACMG Guidelines, 2015. Collection method: clinical testing. Allele origin: germline. Observed: 1 variant allele.
Comment: BP4, BP7

Labcorp Genetics (formerly Invitae), Labcorp
Classification: Uncertain significance for Larsen-like syndrome, B3GAT3 type. Last evaluated: 2022-06-16. Review status: criteria provided, single submitter. Criteria: Invitae Variant Classification Sherloc (09022015). Collection method: clinical testing. Allele origin: germline.
Comment: This sequence change falls in intron 4 of the B3GAT3 gene. It does not directly change the encoded amino acid sequence of the B3GAT3 protein. It affects a nucleotide within the consensus splice site. This variant is present in population databases (rs201387537, gnomAD 0.008%). This variant has not been reported in the literature in individuals affected with B3GAT3-related conditions. Variants that disrupt the consensus splice site are a relatively common cause of aberrant splicing (PMID: 17576681, 9536098). Algorithms developed to predict the effect of sequence changes on RNA splicing suggest that this variant is not likely to affect RNA splicing. In summary, the available evidence is currently insufficient to determine the role of this variant in disease. Therefore, it has been classified as a Variant of Uncertain Significance.

Literature cited by the submitters: PubMed 17576681 (cited by Labcorp Genetics (formerly Invitae), Labcorp); PubMed 9536098 (cited by Labcorp Genetics (formerly Invitae), Labcorp).

NM_012200.4(B3GAT3):c.910-3C>T

Gene: B3GAT3 (beta-1,3-glucuronyltransferase 3; minus strand). Cytogenetic location: 11q12.3.
Variant type: single nucleotide variant.
Coding change: c.910-3C>T on transcript NM_012200.4 (MANE Select); 3 bases into the intron before coding-DNA position 910, C replaced by T.
Molecular consequence: intron variant. On other transcripts: 3 prime UTR variant (2).
Genome position (GRCh38, 1-based): chr11:62,615,802, G>A on the plus strand (C>T on the coding strand, the complement: B3GAT3 is on the minus strand). VCF-style: chr11-62615802-G-A. GRCh37 (hg19) VCF-style: chr11-62383274-G-A.
Other names: p.?; c.*384C>T (NM_001288722.2); c.*400C>T (NM_001288723.2); c.889-3C>T (NM_001288721.2).
Identifiers: ClinVar variation 1350154 (VCV001350154.6), dbSNP rs201387537, ClinGen allele CA6049946.
Genomic context (GRCh38, chr11:62,615,802, plus strand): 5'-GCAGCTGCTCCTCCTGCTTCATCTTGGGCTTCTCTGTCCGAGTATGCCACACCAGTACCT[G>A]TGCCAGGAGGGATGCAGTGAGAGCCAGGCCCAGCTGCAGCCAGGCCTCTGGGTCCCCGAG-3'